The following is an entry in ClinVar:

ClinVar aggregate classification (germline): Uncertain significance. Review status: criteria provided, multiple submitters, no conflicts (2 of 4 stars). 3 submissions from 3 submitters: Uncertain significance (3). Last evaluated 2025-06-09.

Conditions:
Glaucoma 3, primary infantile, B. Also called: GLC3 type B; Primary congenital glaucoma type 3B; Glaucoma primary congenita type 3B; GLAUCOMA, PRIMARY CONGENITAL, TYPE B; GLC3B. Identifiers: Orphanet 98976, MedGen C1832977, MONDO:0010968, OMIM 600975.

Allele frequency attached by ClinVar (database versions not stated): gnomAD 0.00001; TOPMed 0.00001; gnomAD exomes 0.00002 and 0.00003; ESP Exome Variant Server 0.00008; ExAC 0.00005.
gnomAD v4.1: 34 of 1,614,042 alleles (0.0021%); highest among the groups gnomAD compares: East Asian, 0.0045%; no homozygotes.

Submissions (3):

GeneDx
Classification: Uncertain significance. Last evaluated: 2025-06-09. Review status: criteria provided, single submitter. Criteria: GeneDx Variant Classification Process June 2021. Collection method: clinical testing. Allele origin: germline. Affected: yes.
Comment: In silico analysis supports that this missense variant has a deleterious effect on protein structure/function; Has not been previously published as pathogenic or benign to our knowledge

Labcorp Genetics (formerly Invitae), Labcorp
Classification: Uncertain significance. Last evaluated: 2021-07-24. Review status: criteria provided, single submitter. Criteria: Invitae Variant Classification Sherloc (09022015). Collection method: clinical testing. Allele origin: germline.
Comment: This variant has not been reported in the literature in individuals affected with LTBP2-related conditions. This sequence change replaces arginine with cysteine at codon 1284 of the LTBP2 protein (p.Arg1284Cys). The arginine residue is highly conserved and there is a large physicochemical difference between arginine and cysteine. This variant is present in population databases (rs141033298, ExAC 0.01%). ClinVar contains an entry for this variant (Variation ID: 930655). Algorithms developed to predict the effect of missense changes on protein structure and function (SIFT, PolyPhen-2, Align-GVGD) all suggest that this variant is likely to be disruptive. In summary, the available evidence is currently insufficient to determine the role of this variant in disease. Therefore, it has been classified as a Variant of Uncertain Significance.

Centre for Mendelian Genomics, University Medical Centre Ljubljana
Classification: Uncertain significance for Glaucoma 3, primary infantile, B. Last evaluated: 2020-01-26. Review status: criteria provided, single submitter. Criteria: ACMG Guidelines, 2015. Collection method: clinical testing. Allele origin: unknown. Affected: yes.
Comment: This variant was classified as: Uncertain significance. The following ACMG criteria were applied in classifying this variant: PM2,PP3.

NM_000428.3(LTBP2):c.3850C>T (p.Arg1284Cys)

Gene: LTBP2 (latent transforming growth factor beta binding protein 2; minus strand). Cytogenetic location: 14q24.3.
Variant type: single nucleotide variant.
Coding change: c.3850C>T on transcript NM_000428.3 (MANE Select); coding-DNA position 3850, C replaced by T.
Protein change: p.Arg1284Cys; replaces arginine 1284 with cysteine.
Molecular consequence: missense variant.
Genome position (GRCh38, 1-based): chr14:74,507,236, G>A on the plus strand (C>T on the coding strand, the complement: LTBP2 is on the minus strand). VCF-style: chr14-74507236-G-A. GRCh37 (hg19) VCF-style: chr14-74973939-G-A.
Other names: short protein forms R1284C.
Identifiers: ClinVar variation 930655 (VCV000930655.10), dbSNP rs141033298, ClinGen allele CA7269015.
Genomic context (GRCh38, chr14:74,507,236, plus strand): 5'-CACCAATGCAGTCTCCGTTCGGGGCCATGTGGAAGCCAGGCTGGCAGCCCAGAACACAGC[G>A]GTAGGAGCCAGGGCTGTTTTCACACTTCCAGGTGCCACACACCGGGTCTCCATAGTCCTC-3'
Protein context (NP_000419.1, residues 1274-1294): WKCENSPGSY[Arg1284Cys]CVLGCQPGFH